The following is an entry in ClinVar:

ClinVar aggregate classification (germline): Likely pathogenic (1 of 4 stars; one submission).

Conditions:
Hereditary breast ovarian cancer syndrome. Also called: BRCA1- and BRCA2-Associated Hereditary Breast and Ovarian Cancer; Hereditary breast and ovarian cancer; Hereditary breast and ovarian cancer syndrome (HBOC); Hereditary breast and/or ovarian cancer syndrome; Hereditary breast and ovarian cancer syndrome; Breast and ovarian cancer. Identifiers: Orphanet 145, MedGen C0677776, MeSH D061325, MONDO:0003582. Disease mechanism: loss of function.

Submission:

Genetics and Personalized Medicine Clinic, Tartu University Hospital
Classification: Likely pathogenic for Hereditary breast ovarian cancer syndrome. Last evaluated: 2022-01-01. Review status: criteria provided, single submitter. Criteria: ACMG Guidelines, 2015. Collection method: clinical testing. Allele origin: germline. Affected: no. Observed: 2 variant alleles.
Comment: FANCM c.5354T>A (p.Leu1785*) is a nonsense variant introducing a premature stop codon, likely resulting in nonsense-mediated decay. Loss-of-function in FANCM is associated with increased cancer susceptibility.

NM_020937.4(FANCM):c.5354T>A (p.Leu1785Ter)

Gene: FANCM (FA complementation group M; plus strand). Cytogenetic location: 14q21.2.
Variant type: single nucleotide variant.
Coding change: c.5354T>A on transcript NM_020937.4 (MANE Select); coding-DNA position 5354, T replaced by A.
Protein change: p.Leu1785Ter; replaces leucine 1785 with a stop codon.
Molecular consequence: nonsense.
Genome position (GRCh38, 1-based): chr14:45,196,185, T>A. VCF-style: chr14-45196185-T-A. GRCh37 (hg19) VCF-style: chr14-45665388-T-A.
Other names: c.5276T>A, p.Leu1759Ter (NM_001308133.2); short protein forms L1759*, L1785*.
Identifiers: ClinVar variation 4082381 (VCV004082381.1).